The following is an entry in ClinVar:

NM_002496.4(NDUFS8):c.524C>T (p.Thr175Met)

Gene: NDUFS8 (NADH:ubiquinone oxidoreductase core subunit S8; plus strand). Cytogenetic location: 11q13.2.
Variant type: single nucleotide variant.
Coding change: c.524C>T on transcript NM_002496.4 (MANE Select); coding-DNA position 524, C replaced by T.
Protein change: p.Thr175Met; replaces threonine 175 with methionine.
Molecular consequence: missense variant.
Genome position (GRCh38, 1-based): chr11:68,036,484, C>T. VCF-style: chr11-68036484-C-T. GRCh37 (hg19) VCF-style: chr11-67803951-C-T.
Other names: c.524C>T (NM_002496.2); short protein forms T175M.
Identifiers: ClinVar variation 4625962 (VCV004625962.2).

ClinVar aggregate classification (germline): Uncertain significance. Review status: criteria provided, multiple submitters, no conflicts (2 of 4 stars). 2 submissions from 2 submitters: Uncertain significance (2). Last evaluated 2026-04-13.

Conditions:
Inborn genetic diseases. Identifiers: MedGen C0950123, MeSH D030342.

Submissions (2):

GeneDx
Classification: Uncertain significance. Last evaluated: 2026-04-13. Review status: criteria provided, single submitter. Criteria: GeneDx Variant Classification Process June 2021. Collection method: clinical testing. Allele origin: germline.
Comment: Not observed at significant frequency in large population cohorts (gnomAD); In silico analysis supports that this missense variant has a deleterious effect on protein structure/function; Has not been previously published as pathogenic or benign to our knowledge

Ambry Genetics
Classification: Uncertain significance for Inborn genetic diseases. Last evaluated: 2025-12-04. Review status: criteria provided, single submitter. Criteria: Ambry Variant Classification Scheme 2023. Collection method: clinical testing. Allele origin: germline.